The following is an entry in ClinVar:

ClinVar aggregate classification (germline): Conflicting classifications of pathogenicity. Review status: criteria provided, conflicting classifications (1 of 4 stars). 3 submissions from 3 submitters: Pathogenic (1); Uncertain significance (2). Last evaluated 2025-04-25.

Conditions:
Cataract 11 multiple types. Also called: Cataract 11. Identifiers: Orphanet 91492, MedGen C1864567, MONDO:0012527, OMIM 610623.
PITX3-related disorder. Also called: PITX3-related condition.

Submissions (3):

PreventionGenetics, part of Exact Sciences
Classification: Uncertain significance for PITX3-related condition. Last evaluated: 2025-04-25. Review status: criteria provided, single submitter. Criteria: ACMG Guidelines, 2015. Collection method: clinical testing. Allele origin: germline.
Comment: The PITX3 c.669delC variant is predicted to result in a frameshift and premature protein termination (p.Leu225Trpfs*84). This variant is found in the terminal exon of the PITX3 gene and is predicted to extend the coding sequence beyond its original stop codon by five amino acids. This variant has been reported in the homozygous state in a patient with congenital sclereocornea, cataract, facial features, and broad thumbs (Family 2, Zazo Seco et al. 2018. PubMed ID: 29405783). The heterozygous father of this patient also had congenital bilateral cataract associated with embryotoxon. The mother and dizygotic twin of this patient were not genetically tested but also reported to have embryotoxon. This variant is reported in 0.053% of alleles in individuals of East Asian descent in gnomAD. Although we suspect this variant may be pathogenic, at this time, the clinical significance of this variant is uncertain due to the absence of conclusive functional and genetic evidence.

Center of Human Genetics, Hôpital Erasme
Classification: Pathogenic for Cataract 11 multiple types. Last evaluated: 2025-01-01. Review status: criteria provided, single submitter. Criteria: ACMG Guidelines, 2015. Collection method: clinical testing. Allele origin: inherited. Affected: yes.

GeneDx
Classification: Uncertain significance. Last evaluated: 2023-08-09. Review status: criteria provided, single submitter. Criteria: GeneDx Variant Classification Process June 2021. Collection method: clinical testing. Allele origin: germline. Affected: yes.
Comment: Frameshift variant predicted to result in protein truncation, as the last 78 amino acids are replaced with 83 different amino acids, and other loss-of-function variants have been reported downstream in HGMD; This variant is associated with the following publications: (PMID: 29405783)

NM_005029.4(PITX3):c.669del (p.Leu225fs)

Genes: GBF1 (golgi brefeldin A resistant guanine nucleotide exchange factor 1; plus strand), PITX3 (paired like homeodomain 3; minus strand). Cytogenetic location: 10q24.32.
Variant type: Deletion.
Coding change: c.669del on transcript NM_005029.4 (MANE Select); coding-DNA position 669, one base deleted (C; older notation c.669delC).
Protein change: p.Leu225fs; shifts the reading frame from leucine 225.
Molecular consequence: frameshift variant. On other transcripts: 5 prime UTR variant (2).
Genome position (GRCh38, 1-based): chr10:102,230,754, G deleted on the plus strand (C on the coding strand, the reverse complement: PITX3 is on the minus strand); the first of 7 consecutive G bases (chr10:102,230,754-102,230,760); deleting any one gives the same sequence. VCF-style (leftmost placement, unchanged base first): chr10-102230753-CG-C. GRCh37 (hg19) VCF-style: chr10-103990510-CG-C.
Other names: c.669delC (NM_005029.3, NM_005029.4); c.-167del (NM_001391923.1); c.-305del (NM_001391924.1); short protein forms L225fs.
Identifiers: ClinVar variation 3340189 (VCV003340189.3).